The following is an entry in ClinVar:

ClinVar aggregate classification (germline): Uncertain significance. Review status: criteria provided, multiple submitters, no conflicts (2 of 4 stars). 2 submissions from 2 submitters: Uncertain significance (2). Last evaluated 2025-05-24.

Conditions:
Myofibrillar myopathy 5. Also called: FILAMINOPATHY, AUTOSOMAL DOMINANT; Filaminopathy (type). Identifiers: Orphanet 171445, MedGen C1836050, MONDO:0012289, OMIM 609524.
Distal myopathy with posterior leg and anterior hand involvement. Also called: WILLIAMS DISTAL MYOPATHY. Identifiers: Orphanet 63273, MedGen C3279722, MONDO:0013550, OMIM 614065.
Hypertrophic cardiomyopathy 26. Also called: Cardiomyopathy, familial hypertrophic, 26. Identifiers: Orphanet 75249, MedGen C4310749, MONDO:0014883, OMIM 617047.
Cardiovascular phenotype. Identifiers: MedGen CN230736.

Allele frequency attached by ClinVar (database versions not stated): TOPMed below 0.00001.
gnomAD v4.1: 1 of 1,598,362 alleles (0.000063%); no homozygotes.

Submissions (2):

Ambry Genetics
Classification: Uncertain significance for Cardiovascular phenotype. Last evaluated: 2025-05-24. Review status: criteria provided, single submitter. Criteria: Ambry Variant Classification Scheme 2023. Collection method: clinical testing. Allele origin: germline.
Comment: The p.V601M variant (also known as c.1801G>A), located in coding exon 11 of the FLNC gene, results from a G to A substitution at nucleotide position 1801. The valine at codon 601 is replaced by methionine, an amino acid with highly similar properties. This amino acid position is conserved. In addition, this alteration is predicted to be deleterious by in silico analysis. Based on the available evidence, the clinical significance of this variant remains unclear.

Labcorp Genetics (formerly Invitae), Labcorp
Classification: Uncertain significance for Distal myopathy with posterior leg and anterior hand involvement; Myofibrillar myopathy 5; Hypertrophic cardiomyopathy 26. Last evaluated: 2024-08-14. Review status: criteria provided, single submitter. Criteria: Invitae Variant Classification Sherloc (09022015). Collection method: clinical testing. Allele origin: germline.
Comment: This sequence change replaces valine, which is neutral and non-polar, with methionine, which is neutral and non-polar, at codon 601 of the FLNC protein (p.Val601Met). This variant is not present in population databases (gnomAD no frequency). This variant has not been reported in the literature in individuals affected with FLNC-related conditions. ClinVar contains an entry for this variant (Variation ID: 1419843). Invitae Evidence Modeling of protein sequence and biophysical properties (such as structural, functional, and spatial information, amino acid conservation, physicochemical variation, residue mobility, and thermodynamic stability) has been performed for this missense variant. However, the output from this modeling did not meet the statistical confidence thresholds required to predict the impact of this variant on FLNC protein function. In summary, the available evidence is currently insufficient to determine the role of this variant in disease. Therefore, it has been classified as a Variant of Uncertain Significance.

NM_001458.5(FLNC):c.1801G>A (p.Val601Met)

Gene: FLNC (filamin C; plus strand). Cytogenetic location: 7q32.1.
Variant type: single nucleotide variant.
Coding change: c.1801G>A on transcript NM_001458.5 (MANE Select); coding-DNA position 1801, G replaced by A.
Protein change: p.Val601Met; replaces valine 601 with methionine.
Molecular consequence: missense variant.
Genome position (GRCh38, 1-based): chr7:128,840,958, G>A. VCF-style: chr7-128840958-G-A. GRCh37 (hg19) VCF-style: chr7-128481012-G-A.
Other names: c.1801G>A, p.Val601Met (NM_001127487.2); c.1801G>A (NM_001458.4); short protein forms V601M.
Identifiers: ClinVar variation 1419843 (VCV001419843.9), dbSNP rs762652248, ClinGen allele CA4474479.